The following is an entry in ClinVar:

ClinVar aggregate classification (germline): Uncertain significance (1 of 4 stars; one submission).

Allele frequency attached by ClinVar (database versions not stated): gnomAD exomes below 0.00001; TOPMed below 0.00001; gnomAD 0.00001.

Submission:

Labcorp Genetics (formerly Invitae), Labcorp
Classification: Uncertain significance. Last evaluated: 2022-04-20. Review status: criteria provided, single submitter. Criteria: Invitae Variant Classification Sherloc (09022015). Collection method: clinical testing. Allele origin: germline.
Comment: This sequence change replaces glycine, which is neutral and non-polar, with glutamic acid, which is acidic and polar, at codon 160 of the GTPBP3 protein (p.Gly160Glu). This variant is present in population databases (no rsID available, gnomAD 0.002%). This variant has not been reported in the literature in individuals affected with GTPBP3-related conditions. Algorithms developed to predict the effect of missense changes on protein structure and function are either unavailable or do not agree on the potential impact of this missense change (SIFT: "Deleterious"; PolyPhen-2: "Probably Damaging"; Align-GVGD: "Class C0"). In summary, the available evidence is currently insufficient to determine the role of this variant in disease. Therefore, it has been classified as a Variant of Uncertain Significance.

NM_032620.4(GTPBP3):c.479G>A (p.Gly160Glu)

Gene: GTPBP3 (GTP binding protein 3, mitochondrial; plus strand). Cytogenetic location: 19p13.11.
Variant type: single nucleotide variant.
Coding change: c.479G>A on transcript NM_032620.4 (MANE Select); coding-DNA position 479, G replaced by A.
Protein change: p.Gly160Glu; replaces glycine 160 with glutamic acid.
Molecular consequence: missense variant.
Genome position (GRCh38, 1-based): chr19:17,338,629, G>A. VCF-style: chr19-17338629-G-A. GRCh37 (hg19) VCF-style: chr19-17449438-G-A.
Other names: c.479G>A, p.Gly160Glu (NM_001128855.3, NM_133644.4); c.545G>A, p.Gly182Glu (NM_001195422.1); short protein forms G160E, G182E.
Identifiers: ClinVar variation 2128391 (VCV002128391.4), dbSNP rs1490296182, ClinGen allele CA404733157.
Genomic context (GRCh38, chr19:17,338,629, plus strand): 5'-CAGGCGAGTTCACCAGACGGGCGTTCGCCAATGGGAAGCTGAACCTGACCGAAGTGGAGG[G>A]GCTGGCGGACCTTATCCACGCGGAAACAGAGGCGCAGCGGCGGCAGGCCCTCAGGCAGCT-3'
Protein context (NP_116009.2, residues 150-170): NGKLNLTEVE[Gly160Glu]LADLIHAETE